The following is an entry in ClinVar:

NM_004667.6(HERC2):c.1714C>T (p.Leu572=)

Gene: HERC2 (HECT and RLD domain containing E3 ubiquitin protein ligase 2; minus strand). Cytogenetic location: 15q13.1.
Variant type: single nucleotide variant.
Coding change: c.1714C>T on transcript NM_004667.6 (MANE Select); coding-DNA position 1714, C replaced by T.
Protein change: p.Leu572=; no amino-acid change (leucine 572 retained).
Molecular consequence: synonymous variant.
Genome position (GRCh38, 1-based): chr15:28,265,859, G>A on the plus strand (C>T on the coding strand, the complement: HERC2 is on the minus strand). VCF-style: chr15-28265859-G-A. GRCh37 (hg19) VCF-style: chr15-28511005-G-A.
Identifiers: ClinVar variation 4981477 (VCV004981477.1).

ClinVar aggregate classification (germline): Benign (1 of 4 stars; one submission).

Conditions:
HERC2-related disorder. Also called: HERC2-related condition.

gnomAD v4.1: 1,792 of 1,614,198 alleles (0.11%); highest among the groups gnomAD compares: African/African-American, 2.1%; 16 homozygotes.

Submission:

PreventionGenetics, part of Exact Sciences
Classification: Benign for HERC2-related condition. Last evaluated: 2026-08-18. Review status: criteria provided, single submitter. Criteria: ACMG Guidelines, 2015. Collection method: clinical testing. Allele origin: germline.
Comment: This variant is classified as benign based on ACMG/AMP sequence variant interpretation guidelines (Richards et al. 2015 PMID: 25741868, with internal and published modifications).